The following is an entry in ClinVar:

NM_000133.4(F9):c.519dup (p.Val174fs)

Gene: F9 (coagulation factor IX; plus strand). Cytogenetic location: Xq27.1.
Variant type: Duplication.
Coding change: c.519dup on transcript NM_000133.4 (MANE Select); coding-DNA position 519, one base duplicated (A; older notation c.519dupA).
Protein change: p.Val174fs; shifts the reading frame from valine 174.
Molecular consequence: frameshift variant.
Genome position (GRCh38, 1-based): chrX:139,548,490, A duplicated. VCF-style (leftmost placement, unchanged base first): chrX-139548489-C-CA. GRCh37 (hg19) VCF-style: chrX-138630648-C-CA.
Other names: c.405dup, p.Val136fs (NM_001313913.2); c.519dupA (NM_000133.3); short protein forms V136fs, V174fs.
Identifiers: ClinVar variation 375452 (VCV000375452.1), dbSNP rs1556006174, ClinGen allele CA645372693.

ClinVar aggregate classification (germline): Likely pathogenic (0 of 4 stars; one submission).

Conditions:
Hereditary factor IX deficiency disease (HEMB). Also called: F9 DEFICIENCY; FACTOR IX DEFICIENCY; PLASMA THROMBOPLASTIN COMPONENT DEFICIENCY; Hemophilia B; Christmas Disease. Identifiers: Orphanet 98879, MedGen C0008533, MeSH D002836, MONDO:0010604, OMIM 306900.

Submission:

Institute of Basic Medical Sciences, Khyber Medical University, Peshawar
Classification: Likely pathogenic for Hereditary factor IX deficiency disease. Last evaluated: 2016-12-16. Review status: no assertion criteria provided. Collection method: research. Allele origin: inherited. Inheritance: X-linked inheritance. Affected: yes. Observed: 2 variant alleles.
Comment: The variant is associated with Moderate Haemophilia B or Factor IX deficiency

Literature cited by the submitters: PubMed 28752769.